The following is an entry in ClinVar:

NM_012123.4(MTO1):c.25C>G (p.Arg9Gly)

Gene: MTO1 (mitochondrial tRNA translation optimization 1; plus strand). Cytogenetic location: 6q13.
Variant type: single nucleotide variant.
Coding change: c.25C>G on transcript NM_012123.4 (MANE Select); coding-DNA position 25, C replaced by G.
Protein change: p.Arg9Gly; replaces arginine 9 with glycine.
Molecular consequence: missense variant.
Genome position (GRCh38, 1-based): chr6:73,461,879, C>G. VCF-style: chr6-73461879-C-G. GRCh37 (hg19) VCF-style: chr6-74171602-C-G.
Other names: c.25C>G, p.Arg9Gly (NM_001123226.2, NM_133645.3); c.25C>G (NM_001123226.1); short protein forms R9G.
Identifiers: ClinVar variation 1441644 (VCV001441644.9), dbSNP rs763245762, ClinGen allele CA3889209.

ClinVar aggregate classification (germline): Uncertain significance. Review status: criteria provided, multiple submitters, no conflicts (2 of 4 stars). 2 submissions from 2 submitters: Uncertain significance (2). Last evaluated 2023-09-12.

Conditions:
Mitochondrial hypertrophic cardiomyopathy with lactic acidosis due to MTO1 deficiency. Also called: CARDIOMYOPATHY, INFANTILE HYPERTROPHIC MITOCHONDRIAL, AND LACTIC ACIDOSIS; Combined oxidative phosphorylation deficiency 10. Identifiers: Orphanet 314637, MedGen C4749921, MONDO:0013865, OMIM 614702.
Inborn genetic diseases. Identifiers: MedGen C0950123, MeSH D030342.

Allele frequency attached by ClinVar (database versions not stated): gnomAD exomes below 0.00001; ExAC 0.00001.
gnomAD v4.1: 4 of 1,613,888 alleles (0.00025%); highest among the groups gnomAD compares: Non-Finnish European, 0.00034%; no homozygotes.

Submissions (2):

Ambry Genetics
Classification: Uncertain significance for Inborn genetic diseases. Last evaluated: 2023-09-12. Review status: criteria provided, single submitter. Criteria: Ambry Variant Classification Scheme 2023. Collection method: clinical testing. Allele origin: germline.

Labcorp Genetics (formerly Invitae), Labcorp
Classification: Uncertain significance for Mitochondrial hypertrophic cardiomyopathy with lactic acidosis due to MTO1 deficiency. Last evaluated: 2021-07-14. Review status: criteria provided, single submitter. Criteria: Invitae Variant Classification Sherloc (09022015). Collection method: clinical testing. Allele origin: germline.
Comment: This variant has not been reported in the literature in individuals affected with MTO1-related conditions. This sequence change replaces arginine with glycine at codon 9 of the MTO1 protein (p.Arg9Gly). The arginine residue is weakly conserved and there is a moderate physicochemical difference between arginine and glycine. This variant is present in population databases (rs763245762, ExAC 0.001%). Algorithms developed to predict the effect of missense changes on protein structure and function output the following: SIFT: "Tolerated"; PolyPhen-2: "Benign"; Align-GVGD: "Class C0". The glycine amino acid residue is found in multiple mammalian species, which suggests that this missense change does not adversely affect protein function. In summary, the available evidence is currently insufficient to determine the role of this variant in disease. Therefore, it has been classified as a Variant of Uncertain Significance.